The following is an entry in ClinVar:

ClinVar aggregate classification (germline): Uncertain significance (1 of 4 stars; one submission).

Conditions:
Epidermolysis bullosa simplex with nail dystrophy (EBS5D). Identifiers: MedGen C4225309, MONDO:0014661, OMIM 616487.
Epidermolysis bullosa simplex, Ogna type (EBS5A). Also called: EPIDERMOLYSIS BULLOSA SIMPLEX 5A, OGNA TYPE; Pidermolysis bullosa simplex 5A, Ogna type. Identifiers: Orphanet 79401, MedGen C0432317, MONDO:0007555, OMIM 131950.
Autosomal recessive limb-girdle muscular dystrophy type 2Q (LGMDR17). Also called: MUSCULAR DYSTROPHY, LIMB-GIRDLE, AUTOSOMAL RECESSIVE 17. Identifiers: Orphanet 254361, MedGen C3150989, MONDO:0013390, OMIM 613723.
Epidermolysis bullosa simplex 5B, with muscular dystrophy (EBS5B). Also called: EPIDERMOLYSIS BULLOSA SIMPLEX AND LIMB-GIRDLE MUSCULAR DYSTROPHY; Epidermolysis bullosa simplex with muscular dystrophy. Identifiers: Orphanet 257, MedGen C2931072, MONDO:0009181, OMIM 226670.
Epidermolysis bullosa simplex 5C, with pyloric atresia (EBS5C). Also called: PLEC-Related Epidermolysis Bullosa with Pyloric Atresia; Epidermolysis bullosa simplex with pyloric atresia; PLEC1-Related Epidermolysis Bullosa with Pyloric Atresia. Identifiers: Orphanet 158684, MedGen C2677349, MONDO:0012807, OMIM 612138.

Submission:

Labcorp Genetics (formerly Invitae), Labcorp
Classification: Uncertain significance for Autosomal recessive limb-girdle muscular dystrophy type 2Q; Epidermolysis bullosa simplex, Ogna type; Epidermolysis bullosa simplex with nail dystrophy; Epidermolysis bullosa simplex 5C, with pyloric atresia; Epidermolysis bullosa simplex 5B, with muscular dystrophy. Last evaluated: 2025-10-01. Review status: criteria provided, single submitter. Criteria: Invitae Variant Classification Sherloc (09022015). Collection method: clinical testing. Allele origin: germline.
Comment: This sequence change replaces valine, which is neutral and non-polar, with leucine, which is neutral and non-polar, at codon 649 of the PLEC protein (p.Val649Leu). This variant is present in population databases (no rsID available, gnomAD no frequency). This variant has not been reported in the literature in individuals affected with PLEC-related conditions. Invitae Evidence Modeling of protein sequence and biophysical properties (such as structural, functional, and spatial information, amino acid conservation, physicochemical variation, residue mobility, and thermodynamic stability) has been performed for this missense variant. However, the output from this modeling did not meet the statistical confidence thresholds required to predict the impact of this variant on PLEC protein function. In summary, the available evidence is currently insufficient to determine the role of this variant in disease. Therefore, it has been classified as a Variant of Uncertain Significance.

NM_201384.3(PLEC):c.1864G>C (p.Val622Leu)

Gene: PLEC (plectin; minus strand). Cytogenetic location: 8q24.3.
Variant type: single nucleotide variant.
Coding change: c.1864G>C on transcript NM_201384.3 (MANE Select); coding-DNA position 1864, G replaced by C.
Protein change: p.Val622Leu; replaces valine 622 with leucine.
Molecular consequence: missense variant.
Genome position (GRCh38, 1-based): chr8:143,932,513, C>G on the plus strand (G>C on the coding strand, the complement: PLEC is on the minus strand). VCF-style: chr8-143932513-C-G. GRCh37 (hg19) VCF-style: chr8-145006681-C-G.
Other names: c.1768G>C, p.Val590Leu (NM_201381.3); c.1864G>C, p.Val622Leu (NM_201382.4); c.1876G>C, p.Val626Leu (NM_201383.3); c.1945G>C, p.Val649Leu (NM_000445.5, NM_001410941.1); c.1822G>C, p.Val608Leu (NM_201378.4); c.1798G>C, p.Val600Leu (NM_201379.3); c.2275G>C, p.Val759Leu (NM_201380.4); short protein forms V759L, V590L, V600L, V608L, V622L, V626L, V649L.
Identifiers: ClinVar variation 4792243 (VCV004792243.1).